The following is an entry in ClinVar:

NM_001620.3(AHNAK):c.5992C>T (p.Leu1998=)

Gene: AHNAK (AHNAK nucleoprotein; minus strand). Cytogenetic location: 11q12.3.
Variant type: single nucleotide variant.
Coding change: c.5992C>T on transcript NM_001620.3 (MANE Select); coding-DNA position 5992, C replaced by T.
Protein change: p.Leu1998=; no amino-acid change (leucine 1998 retained).
Molecular consequence: synonymous variant. On other transcripts: intron variant (1).
Genome position (GRCh38, 1-based): chr11:62,528,425, G>A on the plus strand (C>T on the coding strand, the complement: AHNAK is on the minus strand). VCF-style: chr11-62528425-G-A. GRCh37 (hg19) VCF-style: chr11-62295897-G-A.
Other names: c.5992C>T, p.Leu1998= (NM_001346445.2, NM_001346446.2); c.342+6578C>T (NM_024060.4).
Identifiers: ClinVar variation 3898196 (VCV003898196.7).
Genomic context (GRCh38, chr11:62,528,425, plus strand): 5'-TTTCACCTTCTACCTTGGGCACAGACACATCCATATCCCCTTTGACTTTGGGGCCTTTCA[G>A]GTGTAAGTCCACATCAGGCATGGAGATCTTGGGGGTCTTGAAGTGCATCTCAGGCATCTT-3'
Protein context (NP_001611.1, residues 1988-2008): KISMPDVDLH[Leu1998=]KGPKVKGDMD

ClinVar aggregate classification (germline): Likely benign (1 of 4 stars; one submission).

Submission:

CeGaT Center for Human Genetics Tuebingen
Classification: Likely benign. Last evaluated: 2025-04-01. Review status: criteria provided, single submitter. Criteria: CeGaT Center For Human Genetics Tuebingen Variant Classification Criteria Version 2. Collection method: clinical testing. Allele origin: germline. Affected: yes. Observed: 1 variant allele.
Comment: AHNAK: BP4, BP7